The following is an entry in ClinVar:

ClinVar aggregate classification (germline): Likely benign. Review status: criteria provided, multiple submitters, no conflicts (2 of 4 stars). 2 submissions from 2 submitters: Likely benign (2). Last evaluated 2025-09-29.

Conditions:
Ehlers-Danlos syndrome, classic type, 1 (EDSCL1). Also called: EHLERS-DANLOS SYNDROME, GRAVIS TYPE; EHLERS-DANLOS SYNDROME, SEVERE CLASSIC TYPE; Ehlers-Danlos Syndrome, Classic Type, COL5A1-Related; EDS I; Ehlers-Danlos syndrome, type 1. Identifiers: MedGen C0268335, MONDO:0019567, OMIM 130000.

Submissions (2):

Labcorp Genetics (formerly Invitae), Labcorp
Classification: Likely benign for Ehlers-Danlos syndrome, classic type, 1. Last evaluated: 2025-09-29. Review status: criteria provided, single submitter. Criteria: Invitae Variant Classification Sherloc (09022015). Collection method: clinical testing. Allele origin: germline.

GeneDx
Classification: Likely benign. Last evaluated: 2016-03-30. Review status: criteria provided, single submitter. Criteria: GeneDx Variant Classification (06012015). Collection method: clinical testing. Allele origin: germline. Affected: yes.
Comment: This variant is considered likely benign or benign based on one or more of the following criteria: it is a conservative change, it occurs at a poorly conserved position in the protein, it is predicted to be benign by multiple in silico algorithms, and/or has population frequency not consistent with disease.

NM_000093.5(COL5A1):c.4555-15T>A

Genes: COL5A1 (collagen type V alpha 1 chain; plus strand), LOC101448202 (uncharacterized LOC101448202; minus strand). Cytogenetic location: 9q34.3.
Variant type: single nucleotide variant.
Coding change: c.4555-15T>A on transcript NM_000093.5 (MANE Select); 15 bases into the intron before coding-DNA position 4555, T replaced by A.
Molecular consequence: intron variant.
Genome position (GRCh38, 1-based): chr9:134,822,082, T>A. VCF-style: chr9-134822082-T-A. GRCh37 (hg19) VCF-style: chr9-137713928-T-A.
Other names: c.4555-15T>A (NM_001278074.1).
Identifiers: ClinVar variation 385197 (VCV000385197.3), dbSNP rs1057522149, ClinGen allele CA16605682.
Genomic context (GRCh38, chr9:134,822,082, plus strand): 5'-CTGGGTAGCAGGGTTGCAGCCCCGCAGCTCCTCCTCGTCTGAAGGTGATAACCTGCATTT[T>A]CTGGTCCTTTTCAGGGTATCACTGGTCCTTCTGGCCCGATTGGGCCTCCTGGGCCCCCTG-3'